The following is an entry in ClinVar:

NM_004371.4(COPA):c.2560G>A (p.Asp854Asn)

Gene: COPA (coat protein complex I subunit alpha; minus strand). Cytogenetic location: 1q23.2.
Variant type: single nucleotide variant.
Coding change: c.2560G>A on transcript NM_004371.4 (MANE Select); coding-DNA position 2560, G replaced by A.
Protein change: p.Asp854Asn; replaces aspartic acid 854 with asparagine.
Molecular consequence: missense variant.
Genome position (GRCh38, 1-based): chr1:160,294,774, C>T on the plus strand (G>A on the coding strand, the complement: COPA is on the minus strand). VCF-style: chr1-160294774-C-T. GRCh37 (hg19) VCF-style: chr1-160264564-C-T.
Other names: c.2587G>A, p.Asp863Asn (NM_001098398.2); short protein forms D854N, D863N.
Identifiers: ClinVar variation 1721405 (VCV001721405.5), dbSNP rs1658345381, ClinGen allele CA343275830.

ClinVar aggregate classification (germline): Uncertain significance (1 of 4 stars; one submission).

Conditions:
Autoimmune interstitial lung disease-arthritis syndrome. Also called: Autoinflammation and autoimmunity, systemic, with immune dysregulation. Identifiers: Orphanet 444092, MedGen C5975714, MONDO:0014629.

Allele frequency attached by ClinVar (database versions not stated): TOPMed below 0.00001; gnomAD 0.00001.
gnomAD v4.1: 1 of 1,614,028 alleles (0.000062%); highest among the groups gnomAD compares: Non-Finnish European, 0.000085%; no homozygotes.

Submission:

Labcorp Genetics (formerly Invitae), Labcorp
Classification: Uncertain significance for Autoimmune interstitial lung disease-arthritis syndrome. Last evaluated: 2022-10-17. Review status: criteria provided, single submitter. Criteria: Invitae Variant Classification Sherloc (09022015). Collection method: clinical testing. Allele origin: germline.
Comment: This variant is not present in population databases (gnomAD no frequency). In summary, the available evidence is currently insufficient to determine the role of this variant in disease. Therefore, it has been classified as a Variant of Uncertain Significance. Advanced modeling of protein sequence and biophysical properties (such as structural, functional, and spatial information, amino acid conservation, physicochemical variation, residue mobility, and thermodynamic stability) performed at Invitae indicates that this missense variant is not expected to disrupt COPA protein function. This variant has not been reported in the literature in individuals affected with COPA-related conditions. This sequence change replaces aspartic acid, which is acidic and polar, with asparagine, which is neutral and polar, at codon 854 of the COPA protein (p.Asp854Asn).